The following is an entry in ClinVar:

NM_001035.3(RYR2):c.3761G>A (p.Arg1254Lys)

Gene: RYR2 (ryanodine receptor 2; plus strand). Cytogenetic location: 1q43.
Variant type: single nucleotide variant.
Coding change: c.3761G>A on transcript NM_001035.3 (MANE Select); coding-DNA position 3761, G replaced by A.
Protein change: p.Arg1254Lys; replaces arginine 1254 with lysine.
Molecular consequence: missense variant.
Genome position (GRCh38, 1-based): chr1:237,589,955, G>A. VCF-style: chr1-237589955-G-A. GRCh37 (hg19) VCF-style: chr1-237753255-G-A.
Other names: short protein forms R1254K.
Identifiers: ClinVar variation 1734679 (VCV001734679.7), dbSNP rs1674964210, ClinGen allele CA345396493.

ClinVar aggregate classification (germline): Uncertain significance. Review status: criteria provided, multiple submitters, no conflicts (2 of 4 stars). 2 submissions from 2 submitters: Uncertain significance (2). Last evaluated 2024-11-11.

Conditions:
Cardiovascular phenotype. Identifiers: MedGen CN230736.
Catecholaminergic polymorphic ventricular tachycardia 1. Also called: VENTRICULAR TACHYCARDIA, CATECHOLAMINERGIC POLYMORPHIC, 1, WITH OR WITHOUT ATRIAL DYSFUNCTION AND/OR DILATED CARDIOMYOPATHY; VENTRICULAR TACHYCARDIA, STRESS-INDUCED POLYMORPHIC 1; RYR2-Related Catecholaminergic Polymorphic Ventricular Tachycardia. Identifiers: Orphanet 3286, MedGen C1631597, MONDO:0011484, OMIM 604772.

Allele frequency attached by ClinVar (database versions not stated): TOPMed below 0.00001.

Submissions (2):

Labcorp Genetics (formerly Invitae), Labcorp
Classification: Uncertain significance for Catecholaminergic polymorphic ventricular tachycardia 1. Last evaluated: 2024-11-11. Review status: criteria provided, single submitter. Criteria: Invitae Variant Classification Sherloc (09022015). Collection method: clinical testing. Allele origin: germline.
Comment: This sequence change replaces arginine, which is basic and polar, with lysine, which is basic and polar, at codon 1254 of the RYR2 protein (p.Arg1254Lys). This variant is not present in population databases (gnomAD no frequency). This variant has not been reported in the literature in individuals affected with RYR2-related conditions. ClinVar contains an entry for this variant (Variation ID: 1734679). Invitae Evidence Modeling of protein sequence and biophysical properties (such as structural, functional, and spatial information, amino acid conservation, physicochemical variation, residue mobility, and thermodynamic stability) indicates that this missense variant is not expected to disrupt RYR2 protein function with a negative predictive value of 95%. In summary, the available evidence is currently insufficient to determine the role of this variant in disease. Therefore, it has been classified as a Variant of Uncertain Significance.

Ambry Genetics
Classification: Uncertain significance for Cardiovascular phenotype. Last evaluated: 2023-12-18. Review status: criteria provided, single submitter. Criteria: Ambry Variant Classification Scheme 2023. Collection method: clinical testing. Allele origin: germline.
Comment: The p.R1254K variant (also known as c.3761G>A), located in coding exon 30 of the RYR2 gene, results from a G to A substitution at nucleotide position 3761. The arginine at codon 1254 is replaced by lysine, an amino acid with highly similar properties. This amino acid position is well conserved in available vertebrate species. In addition, the in silico prediction for this alteration is inconclusive. Since supporting evidence is limited at this time, the clinical significance of this alteration remains unclear.